The following is an entry in ClinVar:

NM_001005242.3(PKP2):c.1174A>T (p.Asn392Tyr)

Gene: PKP2 (plakophilin 2; minus strand). Cytogenetic location: 12p11.21.
Variant type: single nucleotide variant.
Coding change: c.1174A>T on transcript NM_001005242.3 (MANE Select); coding-DNA position 1174, A replaced by T.
Protein change: p.Asn392Tyr; replaces asparagine 392 with tyrosine.
Molecular consequence: missense variant.
Genome position (GRCh38, 1-based): chr12:32,850,970, T>A on the plus strand (A>T on the coding strand, the complement: PKP2 is on the minus strand). VCF-style: chr12-32850970-T-A. GRCh37 (hg19) VCF-style: chr12-33003904-T-A.
Other names: c.1174A>T, p.Asn392Tyr (NM_001407155.1, NM_001407156.1, NM_001407157.1 and 2 more transcripts); c.847A>T, p.Asn283Tyr (NM_001407158.1, NM_001407159.1, NM_001407160.1 and 1 more transcripts); short protein forms N283Y, N392Y.
Identifiers: ClinVar variation 3073789 (VCV003073789.1), dbSNP rs2541287058, ClinGen allele CA384371119.

ClinVar aggregate classification (germline): Uncertain significance (1 of 4 stars; one submission).

Conditions:
Arrhythmogenic right ventricular cardiomyopathy (ARVD). Also called: Arrhythmogenic right ventricular dysplasia; Cardiomyopathy, ARVC; Arrhythmogenic cardiomyopathy; Arrhythmogenic Right Ventricular Cardiomyopathy (ARVC). Identifiers: Orphanet 247, MedGen C0349788, MeSH D019571, MONDO:0016587. Disease mechanism: loss of function. Inheritance: Various modes of inheritance.

Submission:

All of Us Research Program, National Institutes of Health
Classification: Uncertain significance for Arrhythmogenic right ventricular cardiomyopathy. Last evaluated: 2023-10-06. Review status: criteria provided, single submitter. Criteria: ACMG Guidelines, 2015. Collection method: clinical testing. Allele origin: germline. Inheritance: Autosomal dominant inheritance. Observed: 1 variant allele, 1 heterozygote.
Comment: This missense variant replaces asparagine with tyrosine at codon 392 of the PKP2 protein. Computational prediction suggests that this variant may not impact protein structure and function (internally defined REVEL score threshold <= 0.5, PMID: 27666373). To our knowledge, functional studies have not been reported for this variant. This variant has not been reported in individuals affected with PKP2-related disorders in the literature. This variant has not been identified in the general population by the Genome Aggregation Database (gnomAD). The available evidence is insufficient to determine the role of this variant in disease conclusively. Therefore, this variant is classified as a Variant of Uncertain Significance.

This study involves interpretation of variants in research participants for the purpose of population health screening. Participant phenotype was not available at the time of variant classification. Additional details can be found in publication PMID: 35346344, PMCID: PMC8962531